The following is an entry in ClinVar:

ClinVar aggregate classification (germline): Uncertain significance (1 of 4 stars; one submission).

Conditions:
Inborn genetic diseases. Identifiers: MedGen C0950123, MeSH D030342.

Allele frequency attached by ClinVar (database versions not stated): TOPMed below 0.00001; gnomAD 0.00001.
gnomAD v4.1: 1 of 1,612,178 alleles (0.000062%); highest among the groups gnomAD compares: African/African-American, 0.0013%; no homozygotes.

Submission:

Ambry Genetics
Classification: Uncertain significance for Inborn genetic diseases. Last evaluated: 2021-05-20. Review status: criteria provided, single submitter. Criteria: Ambry Variant Classification Scheme 2023. Collection method: clinical testing. Allele origin: germline.
Comment: The c.8050-5T>A intronic alteration consists of a T to A substitution 5 nucleotides before exon 47 (coding exon 46) of the NIPBL gene. Based on insufficient or conflicting evidence, the clinical significance of this alteration remains unclear.

NM_133433.4(NIPBL):c.8050-5T>A

Gene: NIPBL (NIPBL cohesin loading factor; plus strand). Cytogenetic location: 5p13.2.
Variant type: single nucleotide variant.
Coding change: c.8050-5T>A on transcript NM_133433.4 (MANE Select); 5 bases into the intron before coding-DNA position 8050, T replaced by A.
Molecular consequence: intron variant. On other transcripts: 3 prime UTR variant (1).
Genome position (GRCh38, 1-based): chr5:37,064,522, T>A. VCF-style: chr5-37064522-T-A. GRCh37 (hg19) VCF-style: chr5-37064624-T-A.
Other names: c.*499T>A (NM_015384.5).
Identifiers: ClinVar variation 2230687 (VCV002230687.2), dbSNP rs1755201534, ClinGen allele CA1075103586.
Genomic context (GRCh38, chr5:37,064,522, plus strand): 5'-CAATAATTTCACTAAAATTCTTTTGTGTAACACTTGGTCTTTTTTCCCCCCTCCCAATGT[T>A]TTAGTCATTGAGAAGGTCAAAACGAAATTCAGACTCTACGGAGTTGGCAGCACAGATGAA-3'